The following is an entry in ClinVar:

ClinVar aggregate classification (germline): Uncertain significance. Review status: criteria provided, multiple submitters, no conflicts (2 of 4 stars). 2 submissions from 2 submitters: Uncertain significance (2). Last evaluated 2023-12-21.

Conditions:
Hereditary cancer-predisposing syndrome. Also called: Hereditary Cancer Syndrome; Tumor predisposition; Hereditary neoplastic syndrome; Neoplastic Syndromes, Hereditary. Identifiers: Orphanet 140162, MedGen C0027672, MeSH D009386, MONDO:0015356.

Submissions (2):

Ambry Genetics
Classification: Uncertain significance for Hereditary cancer-predisposing syndrome. Last evaluated: 2023-12-21. Review status: criteria provided, single submitter. Criteria: Ambry Variant Classification Scheme 2023. Collection method: clinical testing. Allele origin: germline.
Comment: The p.D194V variant (also known as c.581A>T), located in coding exon 4 of the MSH3 gene, results from an A to T substitution at nucleotide position 581. The aspartic acid at codon 194 is replaced by valine, an amino acid with highly dissimilar properties. This amino acid position is conserved. In addition, this alteration is predicted to be tolerated by in silico analysis. Since supporting evidence is limited at this time, the clinical significance of this alteration remains unclear.

Labcorp Genetics (formerly Invitae), Labcorp
Classification: Uncertain significance. Last evaluated: 2022-08-31. Review status: criteria provided, single submitter. Criteria: Invitae Variant Classification Sherloc (09022015). Collection method: clinical testing. Allele origin: germline.
Comment: ClinVar contains an entry for this variant (Variation ID: 646102). This variant has not been reported in the literature in individuals affected with MSH3-related conditions. This variant is not present in population databases (gnomAD no frequency). This sequence change replaces aspartic acid, which is acidic and polar, with valine, which is neutral and non-polar, at codon 194 of the MSH3 protein (p.Asp194Val). Algorithms developed to predict the effect of missense changes on protein structure and function are either unavailable or do not agree on the potential impact of this missense change (SIFT: "Deleterious"; PolyPhen-2: "Benign"; Align-GVGD: "Class C0"). In summary, the available evidence is currently insufficient to determine the role of this variant in disease. Therefore, it has been classified as a Variant of Uncertain Significance. Algorithms developed to predict the effect of sequence changes on RNA splicing suggest that this variant may create or strengthen a splice site.

NM_002439.5(MSH3):c.581A>T (p.Asp194Val)

Gene: MSH3 (mutS homolog 3; plus strand). Cytogenetic location: 5q14.1.
Variant type: single nucleotide variant.
Coding change: c.581A>T on transcript NM_002439.5 (MANE Select); coding-DNA position 581, A replaced by T.
Protein change: p.Asp194Val; replaces aspartic acid 194 with valine.
Molecular consequence: missense variant.
Genome position (GRCh38, 1-based): chr5:80,670,098, A>T. VCF-style: chr5-80670098-A-T. GRCh37 (hg19) VCF-style: chr5-79965917-A-T.
Other names: c.581A>T (NM_002439.3); short protein forms D194V.
Identifiers: ClinVar variation 646102 (VCV000646102.11), dbSNP rs1580550073, ClinGen allele CA360265858.
Genomic context (GRCh38, chr5:80,670,098, plus strand): 5'-CTGGGAACTTATTATTGTGGTTAATATTTTTAAAACTTTATACATCTTTTGGTTGCCAGG[A>T]CACAACACTTTTTGATCTCAGTCAGTTTGGATCATCAAATACAAGTCATGAAAATTTACA-3'
Protein context (NP_002430.3, residues 184-204): EDSKRQINQK[Asp194Val]TTLFDLSQFG